The following is an entry in ClinVar:

ClinVar aggregate classification (germline): Conflicting classifications of pathogenicity. Review status: criteria provided, conflicting classifications (1 of 4 stars). 9 submissions from 9 submitters: Uncertain significance (7); Likely benign (1). 1 of the submissions does not count toward it. Last evaluated 2026-01-01.

Conditions:
Muscular dystrophy, limb-girdle, autosomal recessive 23. Identifiers: Orphanet 565837, MedGen C4748327, MONDO:0029136, OMIM 618138.
Merosin deficient congenital muscular dystrophy (MDC1A). Also called: Congenital merosin-deficient muscular dystrophy 1A; Congenital Muscular Dystrophy Type 1A (MDC1A). Identifiers: Orphanet 258, MedGen C1263858, MONDO:0011925, OMIM 607855.
LAMA2-related muscular dystrophy (LAMA2-RD). Also called: Laminin alpha 2-related dystrophy. Identifiers: MedGen C5679788, MONDO:0100228.
Congenital muscular dystrophy due to partial LAMA2 deficiency. Identifiers: MedGen C1842898.

Allele frequency attached by ClinVar (database versions not stated): gnomAD 0.00008 and 0.00009; ExAC 0.00012; gnomAD exomes 0.00012; TOPMed 0.00014; ESP Exome Variant Server 0.00015; 1000 Genomes Project 0.00020; 1000 Genomes Project 30x 0.00031.
gnomAD v4.1: 258 of 1,612,686 alleles (0.016%); highest among the groups gnomAD compares: Non-Finnish European, 0.021%; no homozygotes.

Submissions (9):

Labcorp Genetics (formerly Invitae), Labcorp
Classification: Likely benign for LAMA2-related muscular dystrophy. Last evaluated: 2026-01-01. Review status: criteria provided, single submitter. Criteria: Invitae Variant Classification Sherloc (09022015). Collection method: clinical testing. Allele origin: germline.

GeneDx
Classification: Uncertain significance. Last evaluated: 2025-08-29. Review status: criteria provided, single submitter. Criteria: GeneDx Variant Classification Process June 2021. Collection method: clinical testing. Allele origin: germline. Affected: yes.
Comment: In silico analysis suggests that this missense variant does not alter protein structure/function; Has not been previously published as pathogenic or benign to our knowledge

Revvity Omics, Revvity
Classification: Uncertain significance. Last evaluated: 2024-10-13. Review status: criteria provided, single submitter. Criteria: ACMG Guidelines, 2015. Collection method: clinical testing. Allele origin: germline.

Mayo Clinic Laboratories, Mayo Clinic
Classification: Uncertain significance. Last evaluated: 2024-03-25. Review status: criteria provided, single submitter. Criteria: ACMG Guidelines, 2015. Collection method: clinical testing. Allele origin: germline. Observed: 1 variant allele.

Women's Health and Genetics/Laboratory Corporation of America, LabCorp
Classification: Uncertain significance. Last evaluated: 2024-01-16. Review status: criteria provided, single submitter. Criteria: LabCorp Variant Classification Summary - May 2015. Collection method: clinical testing. Allele origin: germline.
Comment: Variant summary: LAMA2 c.6563G>A (p.Ser2188Asn) results in a conservative amino acid change located in the Laminin G domain (IPR001791) of the encoded protein sequence. Three of five in-silico tools predict a damaging effect of the variant on protein function. The variant allele was found at a frequency of 0.00012 in 250708 control chromosomes. This frequency is not significantly higher than estimated for a pathogenic variant in LAMA2 causing Laminin Alpha 2-Related Dystrophy (0.00012 vs 0.0022), allowing no conclusion about variant significance. To our knowledge, no occurrence of c.6563G>A in individuals affected with Laminin Alpha 2-Related Dystrophy and no experimental evidence demonstrating its impact on protein function have been reported. ClinVar contains an entry for this variant (Variation ID: 92978). Based on the evidence outlined above, the variant was classified as uncertain significance.

Fulgent Genetics
Classification: Uncertain significance for Merosin deficient congenital muscular dystrophy; Muscular dystrophy, limb-girdle, autosomal recessive 23. Last evaluated: 2022-02-03. Review status: criteria provided, single submitter. Criteria: ACMG Guidelines, 2015. Collection method: clinical testing. Allele origin: unknown.

Illumina Laboratory Services, Illumina
Classification: Uncertain significance for Congenital muscular dystrophy due to partial LAMA2 deficiency. Last evaluated: 2018-01-13. Review status: criteria provided, single submitter. Criteria: ICSL Variant Classification Criteria 13 December 2019. Collection method: clinical testing. Allele origin: germline.

Eurofins Ntd Llc (ga)
Classification: Uncertain significance. Last evaluated: 2012-12-20. Review status: criteria provided, single submitter. Criteria: EGL Classification Definitions 2015. Collection method: clinical testing. Allele origin: germline. Observed: 1 variant allele, 1 heterozygote.

Counsyl
Classification: Uncertain significance for Merosin deficient congenital muscular dystrophy. Last evaluated: 2017-01-03. Review status: no assertion criteria provided. Collection method: clinical testing. Allele origin: unknown. Not counted in ClinVar's aggregate classification.

NM_000426.4(LAMA2):c.6563G>A (p.Ser2188Asn)

Gene: LAMA2 (laminin subunit alpha 2; plus strand). Cytogenetic location: 6q22.33.
Variant type: single nucleotide variant.
Coding change: c.6563G>A on transcript NM_000426.4 (MANE Select); coding-DNA position 6563, G replaced by A.
Protein change: p.Ser2188Asn; replaces serine 2188 with asparagine.
Molecular consequence: missense variant.
Genome position (GRCh38, 1-based): chr6:129,453,121, G>A. VCF-style: chr6-129453121-G-A. GRCh37 (hg19) VCF-style: chr6-129774266-G-A.
Other names: c.6563G>A, p.Ser2188Asn (NM_001079823.2); short protein forms S2188N.
Identifiers: ClinVar variation 92978 (VCV000092978.23), dbSNP rs372592018, ClinGen allele CA220786.
Genomic context (GRCh38, chr6:129,453,121, plus strand): 5'-ATAATATTGTTGTCAACGTAAAGACAGCTGTTGCTGATAACCTCCTCTTTTATCTTGGAA[G>A]TGCCAAATTTGTAAGTCTAATATTCAACTTTTCATTAGGCTGCTGTATGTGTATAGCTAG-3'
Protein context (NP_000417.3, residues 2178-2198): VADNLLFYLG[Ser2188Asn]AKFIDFLAIE